The following is an entry in ClinVar:

NM_003873.7(NRP1):c.85G>A (p.Asp29Asn)

Gene: NRP1 (neuropilin 1; minus strand). Cytogenetic location: 10p11.22.
Variant type: single nucleotide variant.
Coding change: c.85G>A on transcript NM_003873.7 (MANE Select); coding-DNA position 85, G replaced by A.
Protein change: p.Asp29Asn; replaces aspartic acid 29 with asparagine.
Molecular consequence: missense variant. On other transcripts: non-coding transcript variant (1).
Genome position (GRCh38, 1-based): chr10:33,330,871, C>T on the plus strand (G>A on the coding strand, the complement: NRP1 is on the minus strand). VCF-style: chr10-33330871-C-T. GRCh37 (hg19) VCF-style: chr10-33619799-C-T.
Other names: c.85G>A, p.Asp29Asn (NM_001024628.3, NM_001024629.3, NM_001244972.2 and 2 more transcripts); short protein forms D29N.
Identifiers: ClinVar variation 4977961 (VCV004977961.1).
Genomic context (GRCh38, chr10:33,330,871, plus strand): 5'-GATAAGAATGAGGATAACCAGGAGATGTAAGGTACCCGGGGCTTTCAATTTTTATAGTAT[C>T]GCCACATTTATCTGCAATGAAAGTAAGATTTTAGCAGATCTTTCCTGACAACCTGTTAGG-3'
Protein context (NP_003864.5, residues 19-39): AGAFRNDKCG[Asp29Asn]TIKIESPGYL

ClinVar aggregate classification (germline): Uncertain significance (1 of 4 stars; one submission).

Conditions:
NRP1-related disorder. Also called: NRP1-related condition.

gnomAD v4.1: 62 of 1,603,938 alleles (0.0039%); highest among the groups gnomAD compares: South Asian, 0.063%; no homozygotes.

Submission:

PreventionGenetics, part of Exact Sciences
Classification: Uncertain significance for NRP1-related condition. Last evaluated: 2025-09-09. Review status: criteria provided, single submitter. Criteria: ACMG Guidelines, 2015. Collection method: clinical testing. Allele origin: germline.
Comment: The NRP1 c.85G>A variant is predicted to result in the amino acid substitution p.Asp29Asn. To our knowledge, this variant has not been reported in the literature. This variant is reported in 0.081% of alleles in individuals of South Asian descent in gnomAD. Although we suspect that this variant may be benign, at this time, the clinical significance of this variant is uncertain due to the absence of conclusive functional and genetic evidence.